The following is an entry in ClinVar:

NM_005591.4(MRE11):c.1798G>C (p.Glu600Gln)

Gene: MRE11 (MRE11 double strand break repair nuclease; minus strand). Cytogenetic location: 11q21.
Variant type: single nucleotide variant.
Coding change: c.1798G>C on transcript NM_005591.4 (MANE Select); coding-DNA position 1798, G replaced by C.
Protein change: p.Glu600Gln; replaces glutamic acid 600 with glutamine.
Molecular consequence: missense variant. On other transcripts: intron variant (1).
Genome position (GRCh38, 1-based): chr11:94,445,879, C>G on the plus strand (G>C on the coding strand, the complement: MRE11 is on the minus strand). VCF-style: chr11-94445879-C-G. GRCh37 (hg19) VCF-style: chr11-94179045-C-G.
Other names: NP_005582.1:p.Glu600Gln; c.1783+1340G>C (NM_005590.4); c.1795G>C, p.Glu599Gln (NM_001330347.2); short protein forms E600Q, E599Q.
Identifiers: ClinVar variation 142511 (VCV000142511.29), dbSNP rs145415033, ClinGen allele CA333269.

ClinVar aggregate classification (germline): Conflicting classifications of pathogenicity. Review status: criteria provided, conflicting classifications (1 of 4 stars). 10 submissions from 10 submitters: Uncertain significance (2); Benign (2); Likely benign (6). Last evaluated 2026-01-27.

Conditions:
Ataxia-telangiectasia-like disorder (ATLD). Identifiers: MedGen C1858391, MONDO:0011457.
Hereditary cancer-predisposing syndrome. Also called: Hereditary Cancer Syndrome; Neoplastic Syndromes, Hereditary; Hereditary neoplastic syndrome; Tumor predisposition. Identifiers: Orphanet 140162, MedGen C0027672, MeSH D009386, MONDO:0015356.
Hereditary breast ovarian cancer syndrome. Also called: BRCA1- and BRCA2-Associated Hereditary Breast and Ovarian Cancer; Hereditary breast and ovarian cancer syndrome; Hereditary breast and/or ovarian cancer syndrome; Breast and ovarian cancer; Hereditary breast and ovarian cancer; Hereditary breast and ovarian cancer syndrome (HBOC). Identifiers: Orphanet 145, MedGen C0677776, MeSH D061325, MONDO:0003582. Disease mechanism: loss of function.
Ataxia-telangiectasia-like disorder 1 (ATLD1). Identifiers: Orphanet 251347, MedGen C4012790, MONDO:0024557, OMIM 604391.

Allele frequency attached by ClinVar (database versions not stated): gnomAD exomes 0.00008 and 0.00021; ExAC 0.00021; 1000 Genomes Project 0.00080; 1000 Genomes Project 30x 0.00094; gnomAD 0.00094 and 0.00103; ESP Exome Variant Server 0.00100; TOPMed 0.00109.
gnomAD v4.1: 274 of 1,613,460 alleles (0.017%); highest among the groups gnomAD compares: African/African-American, 0.32%; 1 homozygote.

Submissions (10):

Labcorp Genetics (formerly Invitae), Labcorp
Classification: Likely benign for Ataxia-telangiectasia-like disorder. Last evaluated: 2026-01-27. Review status: criteria provided, single submitter. Criteria: Invitae Variant Classification Sherloc (09022015). Collection method: clinical testing. Allele origin: germline.

Athena Diagnostics
Classification: Benign. Last evaluated: 2024-11-19. Review status: criteria provided, single submitter. Criteria: Athena Diagnostics Criteria. Collection method: clinical testing. Allele origin: unknown.

KCCC/NGS Laboratory, Kuwait Cancer Control Center
Classification: Likely benign for Ataxia-telangiectasia-like disorder 1. Last evaluated: 2023-07-07. Review status: criteria provided, single submitter. Criteria: ACMG Guidelines, 2015. Collection method: clinical testing. Allele origin: germline. Affected: yes.

National Health Laboratory Service, Universitas Academic Hospital and University of the Free State
Classification: Likely benign for Hereditary breast ovarian cancer syndrome. Last evaluated: 2022-04-19. Review status: criteria provided, single submitter. Criteria: ACMG Guidelines, 2015. Collection method: clinical testing. Allele origin: germline. Affected: yes. Observed: 7 variant alleles.

Sema4
Classification: Likely benign for Hereditary cancer-predisposing syndrome. Last evaluated: 2022-01-30. Review status: criteria provided, single submitter. Criteria: Sema4 Curation Guidelines. Collection method: curation. Allele origin: germline.

Quest Diagnostics Nichols Institute San Juan Capistrano
Classification: Likely benign. Last evaluated: 2019-09-06. Review status: criteria provided, single submitter. Criteria: Quest Diagnostics criteria. Collection method: clinical testing. Allele origin: unknown.

Ambry Genetics
Classification: Likely benign for Hereditary cancer-predisposing syndrome. Last evaluated: 2018-12-10. Review status: criteria provided, single submitter. Criteria: Ambry Variant Classification Scheme 2023. Collection method: clinical testing. Allele origin: germline.

Women's Health and Genetics/Laboratory Corporation of America, LabCorp
Classification: Benign. Last evaluated: 2018-10-29. Review status: criteria provided, single submitter. Criteria: LabCorp Variant Classification Summary - May 2015. Collection method: clinical testing. Allele origin: germline.
Comment: Variant summary: MRE11A c.1798G>C (p.Glu600Gln) results in a conservative amino acid change in the encoded protein sequence. Five of five in-silico tools predict a benign effect of the variant on protein function. The variant allele was found at a frequency of 0.00029 in 276710 control chromosomes (including 1 homozygote), predominantly within the African subpopulation with a frequency of 0.003 in the gnomAD database. The observed variant frequency within African control individuals in the gnomAD database is approximately 50 fold above the estimated maximal expected allele frequency for a pathogenic variant in MRE11A causing Hereditary Breast and Ovarian Cancer phenotype (6.3e-05), strongly suggesting that the variant is a benign polymorphism found primarily in populations of African origin. In addition, the variant was reported in 21/2559 African American women (i.e. with a frequency of 0.0082), who were older than 70 years of age, and never had cancer (in the FLOSSIES database). To our knowledge, no occurrence of c.1798G>C in individuals affected with Hereditary Breast and Ovarian Cancer and no experimental evidence demonstrating its impact on protein function have been reported. Two clinical diagnostic laboratories have submitted clinical-significance assessments for this variant to ClinVar after 2014 without evidence for independent evaluation, and both laboratories classified the variant as likely benign. Based on the evidence outlined above, the variant was classified as benign.

Eurofins Ntd Llc (ga)
Classification: Uncertain significance. Last evaluated: 2018-03-09. Review status: criteria provided, single submitter. Criteria: EGL ClinVar v180209 classification definitions. Collection method: clinical testing. Allele origin: germline. Observed: 1 variant allele, 1 heterozygote.

Illumina Laboratory Services, Illumina
Classification: Uncertain significance for Ataxia-telangiectasia-like disorder 1. Last evaluated: 2018-01-13. Review status: criteria provided, single submitter. Criteria: ICSL Variant Classification Criteria 13 December 2019. Collection method: clinical testing. Allele origin: germline.

Literature cited by the submitters: PubMed 33471991 (cited by Athena Diagnostics and Quest Diagnostics Nichols Institute San Juan Capistrano); PubMed 28873162 (cited by Athena Diagnostics and Quest Diagnostics Nichols Institute San Juan Capistrano).